The following is an entry in ClinVar:

NM_006496.4(GNAI3):c.162-7T>C

Gene: GNAI3 (G protein subunit alpha i3; plus strand). Cytogenetic location: 1p13.3.
Variant type: single nucleotide variant.
Coding change: c.162-7T>C on transcript NM_006496.4 (MANE Select); 7 bases into the intron before coding-DNA position 162, T replaced by C.
Molecular consequence: intron variant.
Genome position (GRCh38, 1-based): chr1:109,573,889, T>C. VCF-style: chr1-109573889-T-C. GRCh37 (hg19) VCF-style: chr1-110116511-T-C.
Other names: c.162-7T>C (NM_006496.3).
Identifiers: ClinVar variation 2064232 (VCV002064232.5), dbSNP rs182530939, ClinGen allele CA992000.
Genomic context (GRCh38, chr1:109,573,889, plus strand): 5'-ATAAAGTCCATAGTATCTTTTCATTTTAGGTCCATGGTATTGACTTGTGGTTTTCTTTGT[T>C]TTAAAGAATCATTCATGAGGATGGCTATTCAGAGGATGAATGTAAACAATATAAAGTAGT-3'

ClinVar aggregate classification (germline): Benign/Likely benign. Review status: criteria provided, multiple submitters, no conflicts (2 of 4 stars). 2 submissions from 2 submitters: Benign (1); Likely benign (1). Last evaluated 2024-12-07.

Conditions:
GNAI3-related disorder. Also called: GNAI3-related condition.

Allele frequency attached by ClinVar (database versions not stated): gnomAD exomes 0.00022; gnomAD 0.00027; TOPMed 0.00032; 1000 Genomes Project 30x 0.00047; ExAC 0.00049; 1000 Genomes Project 0.00060.
gnomAD v4.1: 374 of 1,610,010 alleles (0.023%); highest among the groups gnomAD compares: East Asian, 0.75%; 5 homozygotes.

Submissions (2):

PreventionGenetics, part of Exact Sciences
Classification: Likely benign for GNAI3-related condition. Last evaluated: 2024-12-07. Review status: criteria provided, single submitter. Criteria: ACMG Guidelines, 2015. Collection method: clinical testing. Allele origin: germline.
Comment: This variant is classified as likely benign based on ACMG/AMP sequence variant interpretation guidelines (Richards et al. 2015 PMID: 25741868, with internal and published modifications).

Labcorp Genetics (formerly Invitae), Labcorp
Classification: Benign. Last evaluated: 2023-07-07. Review status: criteria provided, single submitter. Criteria: Invitae Variant Classification Sherloc (09022015). Collection method: clinical testing. Allele origin: germline.